The following is an entry in ClinVar:

NM_001128148.3(TFRC):c.1522A>G (p.Lys508Glu)

Gene: TFRC (transferrin receptor; minus strand). Cytogenetic location: 3q29.
Variant type: single nucleotide variant.
Coding change: c.1522A>G on transcript NM_001128148.3 (MANE Select); coding-DNA position 1522, A replaced by G.
Protein change: p.Lys508Glu; replaces lysine 508 with glutamic acid.
Molecular consequence: missense variant.
Genome position (GRCh38, 1-based): chr3:196,060,194, T>C on the plus strand (A>G on the coding strand, the complement: TFRC is on the minus strand). VCF-style: chr3-196060194-T-C. GRCh37 (hg19) VCF-style: chr3-195787065-T-C.
Other names: c.1279A>G, p.Lys427Glu (NM_001313965.2); c.676A>G, p.Lys226Glu (NM_001313966.2); c.1522A>G, p.Lys508Glu (NM_003234.4); short protein forms K226E, K427E, K508E.
Identifiers: ClinVar variation 1387151 (VCV001387151.6), dbSNP rs2108641188, ClinGen allele CA355568029.

ClinVar aggregate classification (germline): Uncertain significance (1 of 4 stars; one submission).

Submission:

Labcorp Genetics (formerly Invitae), Labcorp
Classification: Uncertain significance. Last evaluated: 2023-08-10. Review status: criteria provided, single submitter. Criteria: Invitae Variant Classification Sherloc (09022015). Collection method: clinical testing. Allele origin: germline.
Comment: In summary, the available evidence is currently insufficient to determine the role of this variant in disease. Therefore, it has been classified as a Variant of Uncertain Significance. Advanced modeling of protein sequence and biophysical properties (such as structural, functional, and spatial information, amino acid conservation, physicochemical variation, residue mobility, and thermodynamic stability) performed at Invitae indicates that this missense variant is not expected to disrupt TFRC protein function. ClinVar contains an entry for this variant (Variation ID: 1387151). This variant has not been reported in the literature in individuals affected with TFRC-related conditions. This variant is not present in population databases (gnomAD no frequency). This sequence change replaces lysine, which is basic and polar, with glutamic acid, which is acidic and polar, at codon 508 of the TFRC protein (p.Lys508Glu).